The following is an entry in ClinVar:

ClinVar aggregate classification (germline): Uncertain significance. Review status: criteria provided, multiple submitters, no conflicts (2 of 4 stars). 3 submissions from 3 submitters: Uncertain significance (3). Last evaluated 2023-12-04.

Conditions:
Ataxia-telangiectasia syndrome (AT). Also called: Ataxia-telangiectasia, complementation group D; AT, COMPLEMENTATION GROUP C; ATAXIA-TELANGIECTASIA, COMPLEMENTATION GROUP A; ATAXIA-TELANGIECTASIA, FRESNO VARIANT; Ataxia-telangiectasia; LOUIS-BAR SYNDROME. Identifiers: Orphanet 100, MedGen C0004135, MONDO:0008840, OMIM 208900.
Hereditary cancer-predisposing syndrome. Also called: Tumor predisposition; Hereditary neoplastic syndrome; Neoplastic Syndromes, Hereditary; Hereditary Cancer Syndrome. Identifiers: Orphanet 140162, MedGen C0027672, MeSH D009386, MONDO:0015356.

Submissions (3):

Color Diagnostics, LLC DBA Color Health
Classification: Uncertain significance for Hereditary cancer-predisposing syndrome. Last evaluated: 2023-12-04. Review status: criteria provided, single submitter. Criteria: ACMG Guidelines, 2015. Collection method: clinical testing. Allele origin: germline.
Comment: This missense variant replaces aspartic acid with tyrosine at codon 2795 of the ATM protein. Computational prediction suggests that this variant may have deleterious impact on protein structure and function (internally defined REVEL score threshold >= 0.7, PMID: 27666373). To our knowledge, functional studies have not been reported for this variant. This variant has not been reported in individuals affected with ATM-related disorders in the literature. This variant has not been identified in the general population by the Genome Aggregation Database (gnomAD). The available evidence is insufficient to determine the role of this variant in disease conclusively. Therefore, this variant is classified as a Variant of Uncertain Significance.

Labcorp Genetics (formerly Invitae), Labcorp
Classification: Uncertain significance for Ataxia-telangiectasia syndrome. Last evaluated: 2019-05-08. Review status: criteria provided, single submitter. Criteria: Invitae Variant Classification Sherloc (09022015). Collection method: clinical testing. Allele origin: germline.
Comment: This sequence change replaces aspartic acid with tyrosine at codon 2795 of the ATM protein (p.Asp2795Tyr). The aspartic acid residue is highly conserved and there is a large physicochemical difference between aspartic acid and tyrosine. In summary, the available evidence is currently insufficient to determine the role of this variant in disease. Therefore, it has been classified as a Variant of Uncertain Significance. Algorithms developed to predict the effect of missense changes on protein structure and function (SIFT, PolyPhen-2, Align-GVGD) all suggest that this variant is likely to be disruptive, but these predictions have not been confirmed by published functional studies and their clinical significance is uncertain. This variant has not been reported in the literature in individuals with ATM-related disease. This variant is not present in population databases (ExAC no frequency).

Ambry Genetics
Classification: Uncertain significance for Hereditary cancer-predisposing syndrome. Last evaluated: 2018-07-12. Review status: criteria provided, single submitter. Criteria: Ambry Variant Classification Scheme 2023. Collection method: clinical testing. Allele origin: germline.

NM_000051.4(ATM):c.8383G>T (p.Asp2795Tyr)

Genes: ATM (ATM serine/threonine kinase; plus strand), C11orf65 (chromosome 11 open reading frame 65; minus strand). Cytogenetic location: 11q22.3.
Variant type: single nucleotide variant.
Coding change: c.8383G>T on transcript NM_000051.4 (MANE Select); coding-DNA position 8383, G replaced by T.
Protein change: p.Asp2795Tyr; replaces aspartic acid 2795 with tyrosine.
Molecular consequence: missense variant. On other transcripts: intron variant (2).
Genome position (GRCh38, 1-based): chr11:108,343,336, G>T. VCF-style: chr11-108343336-G-T. GRCh37 (hg19) VCF-style: chr11-108214063-G-T.
Other names: c.8383G>T, p.Asp2795Tyr (NM_001351834.2); c.641-34265C>A (NM_001330368.2); c.695-8044C>A (NM_001351110.2); short protein forms D2795Y.
Identifiers: ClinVar variation 629503 (VCV000629503.17), dbSNP rs1565558417, ClinGen allele CA382516554.